The following is an entry in ClinVar:

NM_016333.4(SRRM2):c.6025C>T (p.Arg2009Ter)

Gene: SRRM2 (serine/arginine repetitive matrix 2; plus strand). Cytogenetic location: 16p13.3.
Variant type: single nucleotide variant.
Coding change: c.6025C>T on transcript NM_016333.4 (MANE Select); coding-DNA position 6025, C replaced by T.
Protein change: p.Arg2009Ter; replaces arginine 2009 with a stop codon.
Molecular consequence: nonsense.
Genome position (GRCh38, 1-based): chr16:2,766,553, C>T. VCF-style: chr16-2766553-C-T. GRCh37 (hg19) VCF-style: chr16-2816554-C-T.
Other names: short protein forms R2009*.
Identifiers: ClinVar variation 4682067 (VCV004682067.5).

ClinVar aggregate classification (germline): Pathogenic (1 of 4 stars; one submission).

Submission:

CeGaT Center for Human Genetics Tuebingen
Classification: Pathogenic. Last evaluated: 2025-12-01. Review status: criteria provided, single submitter. Criteria: CeGaT Center For Human Genetics Tuebingen Variant Classification Criteria Version 2. Collection method: clinical testing. Allele origin: germline. Affected: yes. Observed: 1 variant allele.
Comment: SRRM2: PVS1, PM2